The following is an entry in ClinVar:

ClinVar aggregate classification (germline): Uncertain significance (1 of 4 stars; one submission).

Conditions:
NTRK2-related disorder. Also called: NTRK2-related condition.

gnomAD v4.1: 4 of 1,613,416 alleles (0.00025%); highest among the groups gnomAD compares: Non-Finnish European, 0.00025%; no homozygotes.

Submission:

PreventionGenetics, part of Exact Sciences
Classification: Uncertain significance for NTRK2-related condition. Last evaluated: 2025-05-21. Review status: criteria provided, single submitter. Criteria: ACMG Guidelines, 2015. Collection method: clinical testing. Allele origin: germline.
Comment: The NTRK2 c.1423G>A variant is predicted to result in the amino acid substitution p.Val475Ile. To our knowledge, this variant has not been reported in the literature or in a large population database (gnomAD), indicating this variant is rare. At this time, the clinical significance of this variant is uncertain due to the absence of conclusive functional and genetic evidence.

NM_006180.6(NTRK2):c.1423G>A (p.Val475Ile)

Gene: NTRK2 (neurotrophic receptor tyrosine kinase 2; plus strand). Cytogenetic location: 9q21.33.
Variant type: single nucleotide variant.
Coding change: c.1423G>A on transcript NM_006180.6 (MANE Select); coding-DNA position 1423, G replaced by A.
Protein change: p.Val475Ile; replaces valine 475 with isoleucine.
Molecular consequence: missense variant. On other transcripts: intron variant (7).
Genome position (GRCh38, 1-based): chr9:84,861,066, G>A. VCF-style: chr9-84861066-G-A. GRCh37 (hg19) VCF-style: chr9-87475981-G-A.
Other names: c.1423G>A, p.Val475Ile (NM_001018065.2, NM_001369537.1); c.955G>A, p.Val319Ile (NM_001369536.1); c.1397-6177G>A (NM_001369532.1, NM_001369533.1, NM_001018066.3 and 2 more transcripts); c.1361-6177G>A (NM_001369534.1); c.929-6177G>A (NM_001369535.1); short protein forms V319I, V475I.
Identifiers: ClinVar variation 4983755 (VCV004983755.1).
Genomic context (GRCh38, chr9:84,861,066, plus strand): 5'-CGAAGTTTATTTTATGTTTTGTTGTGGTTTTCAGATTTCTCATGGTTTGGATTTGGGAAA[G>A]TAAAATCAAGACAAGGTGTTGGTAAGTAGTTAACTCACTCCTTCTTTGGATAAGTAATGA-3'
Protein context (NP_006171.2, residues 465-485): KDFSWFGFGK[Val475Ile]KSRQGVGPAS